The following is an entry in ClinVar:

ClinVar aggregate classification (germline): Uncertain significance (1 of 4 stars; one submission).

Submission:

Labcorp Genetics (formerly Invitae), Labcorp
Classification: Uncertain significance. Last evaluated: 2024-09-15. Review status: criteria provided, single submitter. Criteria: Invitae Variant Classification Sherloc (09022015). Collection method: clinical testing. Allele origin: germline.
Comment: This sequence change creates a premature translational stop signal (p.Gln314*) in the IRF2BP2 gene. It is expected to result in an absent or disrupted protein product. However, the current clinical and genetic evidence is not sufficient to establish whether loss-of-function variants in IRF2BP2 cause disease. This variant is not present in population databases (gnomAD no frequency). This variant has not been reported in the literature in individuals affected with IRF2BP2-related conditions. In summary, the available evidence is currently insufficient to determine the role of this variant in disease. Therefore, it has been classified as a Variant of Uncertain Significance.

NM_182972.3(IRF2BP2):c.940C>T (p.Gln314Ter)

Gene: IRF2BP2 (interferon regulatory factor 2 binding protein 2; minus strand). Cytogenetic location: 1q42.3.
Variant type: single nucleotide variant.
Coding change: c.940C>T on transcript NM_182972.3 (MANE Select); coding-DNA position 940, C replaced by T.
Protein change: p.Gln314Ter; replaces glutamine 314 with a stop codon.
Molecular consequence: nonsense.
Genome position (GRCh38, 1-based): chr1:234,608,555, G>A on the plus strand (C>T on the coding strand, the complement: IRF2BP2 is on the minus strand). VCF-style: chr1-234608555-G-A. GRCh37 (hg19) VCF-style: chr1-234744301-G-A.
Other names: c.940C>T, p.Gln314Ter (NM_001077397.1); short protein forms Q314*.
Identifiers: ClinVar variation 3717444 (VCV003717444.2).